The following is an entry in ClinVar:

NM_001130144.3(LTBP3):c.2529T>C (p.Asn843=)

Gene: LTBP3 (latent transforming growth factor beta binding protein 3; minus strand). Cytogenetic location: 11q13.1.
Variant type: single nucleotide variant.
Coding change: c.2529T>C on transcript NM_001130144.3 (MANE Select); coding-DNA position 2529, T replaced by C.
Protein change: p.Asn843=; no amino-acid change (asparagine 843 retained).
Molecular consequence: synonymous variant.
Genome position (GRCh38, 1-based): chr11:65,543,172, A>G on the plus strand (T>C on the coding strand, the complement: LTBP3 is on the minus strand). VCF-style: chr11-65543172-A-G. GRCh37 (hg19) VCF-style: chr11-65310643-A-G.
Other names: c.2178T>C, p.Asn726= (NM_001164266.1); c.2529T>C, p.Asn843= (NM_021070.4).
Identifiers: ClinVar variation 4994075 (VCV004994075.1).

ClinVar aggregate classification (germline): Likely benign (1 of 4 stars; one submission).

Conditions:
LTBP3-related disorder. Also called: LTBP3-related condition.

Submission:

PreventionGenetics, part of Exact Sciences
Classification: Likely benign for LTBP3-related condition. Last evaluated: 2026-03-11. Review status: criteria provided, single submitter. Criteria: ACMG Guidelines, 2015. Collection method: clinical testing. Allele origin: germline.
Comment: This variant is classified as likely benign based on ACMG/AMP sequence variant interpretation guidelines (Richards et al. 2015 PMID: 25741868, with internal and published modifications).